The following is an entry in ClinVar:

NM_000127.3(EXT1):c.47G>C (p.Cys16Ser)

Gene: EXT1 (exostosin glycosyltransferase 1; minus strand). Cytogenetic location: 8q24.11.
Variant type: single nucleotide variant.
Coding change: c.47G>C on transcript NM_000127.3 (MANE Select); coding-DNA position 47, G replaced by C.
Protein change: p.Cys16Ser; replaces cysteine 16 with serine.
Molecular consequence: missense variant.
Genome position (GRCh38, 1-based): chr8:118,111,000, C>G on the plus strand (G>C on the coding strand, the complement: EXT1 is on the minus strand). VCF-style: chr8-118111000-C-G. GRCh37 (hg19) VCF-style: chr8-119123239-C-G.
Other names: short protein forms C16S.
Identifiers: ClinVar variation 2675153 (VCV002675153.3), dbSNP rs545138851, ClinGen allele CA371916713.

ClinVar aggregate classification (germline): Uncertain significance. Review status: criteria provided, multiple submitters, no conflicts (2 of 4 stars). 2 submissions from 2 submitters: Uncertain significance (2). Last evaluated 2025-06-10.

Conditions:
Chondrosarcoma. Also called: Chondrosarcoma, somatic. Identifiers: Orphanet 55880, MedGen C0008479, MONDO:0008977, OMIM 215300, HP:0006765.

gnomAD v4.1: 1 of 1,606,468 alleles (0.000062%); highest among the groups gnomAD compares: Non-Finnish European, 0.000085%; no homozygotes.

Submissions (2):

Dasa
Classification: Uncertain significance. Last evaluated: 2025-06-10. Review status: criteria provided, single submitter. Criteria: DASA Assertion Criteria. Collection method: clinical testing. Allele origin: germline.
Comment: NM_000127.3(EXT1):c.47G>C (p.Cys16Ser) is a missense variant that results in the substitution of cysteine with serine. This variant is rare in population databases. Computational prediction algorithms are consistent with a benign effect. The currently available literature and clinical evidence are not sufficient to establish a definitive association between this variant and the reported condition. Therefore, this variant is classified as a variant of uncertain significance.

Baylor Genetics
Classification: Uncertain significance for Chondrosarcoma. Last evaluated: 2023-10-03. Review status: criteria provided, single submitter. Criteria: ACMG Guidelines, 2015. Collection method: clinical testing. Allele origin: unknown.